The following is an entry in ClinVar:

NM_052947.4(ALPK2):c.4673A>C (p.His1558Pro)

Genes: ALPK2 (alpha kinase 2; minus strand), LOC126862764 (BRD4-independent group 4 enhancer GRCh37_chr18:56202574-56203773; plus strand). Cytogenetic location: 18q21.31.
Variant type: single nucleotide variant.
Coding change: c.4673A>C on transcript NM_052947.4 (MANE Select); coding-DNA position 4673, A replaced by C.
Protein change: p.His1558Pro; replaces histidine 1558 with proline.
Molecular consequence: missense variant.
Genome position (GRCh38, 1-based): chr18:58,535,514, T>G on the plus strand (A>C on the coding strand, the complement: ALPK2 is on the minus strand). VCF-style: chr18-58535514-T-G. GRCh37 (hg19) VCF-style: chr18-56202746-T-G.
Other names: short protein forms H1558P.
Identifiers: ClinVar variation 1742339 (VCV001742339.2), dbSNP rs2518874271, ClinGen allele CA402560506.

ClinVar aggregate classification (germline): Uncertain significance (1 of 4 stars; one submission).

Submission:

Ambry Genetics
Classification: Uncertain significance. Last evaluated: 2022-05-30. Review status: criteria provided, single submitter. Criteria: Ambry Variant Classification Scheme 2023. Collection method: clinical testing. Allele origin: germline.
Comment: The p.H1558P variant (also known as c.4673A>C), located in coding exon 4 of the ALPK2 gene, results from an A to C substitution at nucleotide position 4673. The histidine at codon 1558 is replaced by proline, an amino acid with similar properties. This amino acid position is conserved. In addition, this alteration is predicted to be tolerated by in silico analysis. Since supporting evidence is limited at this time, the clinical significance of this alteration remains unclear.